The following is an entry in ClinVar:

NM_000179.3(MSH6):c.1146C>G (p.His382Gln)

Gene: MSH6 (mutS homolog 6; plus strand). Cytogenetic location: 2p16.3.
Variant type: single nucleotide variant.
Coding change: c.1146C>G on transcript NM_000179.3 (MANE Select); coding-DNA position 1146, C replaced by G.
Protein change: p.His382Gln; replaces histidine 382 with glutamine.
Molecular consequence: missense variant.
Genome position (GRCh38, 1-based): chr2:47,799,129, C>G. VCF-style: chr2-47799129-C-G. GRCh37 (hg19) VCF-style: chr2-48026268-C-G.
Other names: c.756C>G, p.His252Gln (NM_001281492.2); c.240C>G, p.His80Gln (NM_001281493.2, NM_001281494.2); short protein forms H252Q, H382Q, H80Q.
Identifiers: ClinVar variation 655313 (VCV000655313.16), dbSNP rs1572721856, ClinGen allele CA346742177.

ClinVar aggregate classification (germline): Conflicting classifications of pathogenicity. Review status: criteria provided, conflicting classifications (1 of 4 stars). 5 submissions from 5 submitters: Uncertain significance (4); Likely benign (1). Last evaluated 2025-11-10.

Conditions:
Hereditary nonpolyposis colorectal neoplasms. Identifiers: MedGen C0009405, MeSH D003123.
Lynch syndrome. Identifiers: Orphanet 144, MedGen C4552100, MONDO:0005835. Disease mechanism: loss of function.
Lynch syndrome 5 (LYNCH5). Also called: Hereditary non-polyposis colorectal cancer, type 5; Colorectal cancer, hereditary nonpolyposis, type 5. Identifiers: Orphanet 144, MedGen C1833477, MONDO:0013710, OMIM 614350. Disease mechanism: loss of function.
Hereditary cancer-predisposing syndrome. Also called: Hereditary neoplastic syndrome; Tumor predisposition; Neoplastic Syndromes, Hereditary; Hereditary Cancer Syndrome. Identifiers: Orphanet 140162, MedGen C0027672, MeSH D009386, MONDO:0015356.

Allele frequency attached by ClinVar (database versions not stated): TOPMed below 0.00001; gnomAD exomes below 0.00001; gnomAD 0.00001.
gnomAD v4.1: 2 of 1,614,016 alleles (0.00012%); highest among the groups gnomAD compares: African/African-American, 0.0013%; no homozygotes.

Submissions (5):

Ambry Genetics
Classification: Likely benign for Hereditary cancer-predisposing syndrome. Last evaluated: 2025-11-10. Review status: criteria provided, single submitter. Criteria: Ambry Variant Classification Scheme 2023. Collection method: clinical testing. Allele origin: germline.

All of Us Research Program, National Institutes of Health
Classification: Uncertain significance for Lynch syndrome. Last evaluated: 2024-04-25. Review status: criteria provided, single submitter. Criteria: ACMG Guidelines, 2015. Collection method: clinical testing. Allele origin: germline. Inheritance: Autosomal dominant inheritance. Observed: 1 variant allele, 1 heterozygote.
Comment: This missense variant replaces histidine with glutamine at codon 382 of the MSH6 protein. Computational prediction suggests that this variant may not impact protein structure and function (internally defined REVEL score threshold <= 0.5, PMID: 27666373). To our knowledge, functional studies have not been reported for this variant. This variant has not been reported in individuals affected with MSH6-related disorders in the literature. This variant has not been identified in the general population by the Genome Aggregation Database (gnomAD). The available evidence is insufficient to determine the role of this variant in disease conclusively. Therefore, this variant is classified as a Variant of Uncertain Significance.

This study involves interpretation of variants in research participants for the purpose of population health screening. Participant phenotype was not available at the time of variant classification. Additional details can be found in publication PMID: 35346344, PMCID: PMC8962531

Labcorp Genetics (formerly Invitae), Labcorp
Classification: Uncertain significance for Hereditary nonpolyposis colorectal neoplasms. Last evaluated: 2023-08-07. Review status: criteria provided, single submitter. Criteria: Invitae Variant Classification Sherloc (09022015). Collection method: clinical testing. Allele origin: germline.
Comment: In summary, the available evidence is currently insufficient to determine the role of this variant in disease. Therefore, it has been classified as a Variant of Uncertain Significance. Advanced modeling of protein sequence and biophysical properties (such as structural, functional, and spatial information, amino acid conservation, physicochemical variation, residue mobility, and thermodynamic stability) performed at Invitae indicates that this missense variant is not expected to disrupt MSH6 protein function. ClinVar contains an entry for this variant (Variation ID: 655313). This variant has not been reported in the literature in individuals affected with MSH6-related conditions. This variant is not present in population databases (gnomAD no frequency). This sequence change replaces histidine, which is basic and polar, with glutamine, which is neutral and polar, at codon 382 of the MSH6 protein (p.His382Gln).

Women's Health and Genetics/Laboratory Corporation of America, LabCorp
Classification: Uncertain significance. Last evaluated: 2019-06-03. Review status: criteria provided, single submitter. Criteria: LabCorp Variant Classification Summary - May 2015. Collection method: clinical testing. Allele origin: germline.
Comment: Variant summary: MSH6 c.1146C>G (p.His382Gln) results in a non-conservative amino acid change in the encoded protein sequence. Four of five in-silico tools predict a benign effect of the variant on protein function. The variant was absent in 250990 control chromosomes. The available data on variant occurrences in the general population are insufficient to allow any conclusion about variant significance. To our knowledge, no occurrence of c.1146C>G in individuals affected with Lynch Syndrome and no experimental evidence demonstrating its impact on protein function have been reported. No clinical diagnostic laboratories have submitted clinical-significance assessments for this variant to ClinVar after 2014. Based on the evidence outlined above, the variant was classified as uncertain significance.

Neuberg Centre For Genomic Medicine, NCGM
Classification: Uncertain significance for Lynch syndrome 5. Review status: criteria provided, single submitter. Criteria: ACMG Guidelines, 2015. Collection method: clinical testing. Allele origin: germline. Inheritance: Autosomal dominant inheritance. Affected: yes.
Comment: The missense variant c.1146C>G (p.His382Gln) in MSH6 gene has not been reported previously as a pathogenic variant nor as a benign variant, to our knowledge. This variant has been reported to the ClinVar database as Uncertain Significance. The p.His382Gln variant is novel in gnomAD Exomes and 1000 Genomes. The amino acid His at position 382 is changed to a Gln changing protein sequence and it might alter its composition and physico-chemical properties. The amino acid change p.His382Gln in MSH6 is predicted as conserved by GERP++. For these reasons, this variant has been classified as Uncertain Significance .